The following is an entry in ClinVar:

NM_018975.4(TERF2IP):c.298C>T (p.Arg100Trp)

Gene: TERF2IP (TERF2 interacting protein; plus strand). Cytogenetic location: 16q23.1.
Variant type: single nucleotide variant.
Coding change: c.298C>T on transcript NM_018975.4 (MANE Select); coding-DNA position 298, C replaced by T.
Protein change: p.Arg100Trp; replaces arginine 100 with tryptophan.
Molecular consequence: missense variant. On other transcripts: non-coding transcript variant (1).
Genome position (GRCh38, 1-based): chr16:75,648,180, C>T. VCF-style: chr16-75648180-C-T. GRCh37 (hg19) VCF-style: chr16-75682078-C-T.
Other names: short protein forms R100W.
Identifiers: ClinVar variation 1798495 (VCV001798495.2), dbSNP rs1379021647, ClinGen allele CA396817626.
Genomic context (GRCh38, chr16:75,648,180, plus strand): 5'-TCCACGCAGTACATCCTGGACTGCGTGGAGCGCAACGAGAGGCTGGAGCTGGAGGCCTAT[C>T]GGCTGGGCCCCGCCTCGGCGGCGGACACCGGCTCGGAAGCAAAGCCCGGGGCCCTGGCCG-3'
Protein context (NP_061848.2, residues 90-110): RNERLELEAY[Arg100Trp]LGPASAADTG

ClinVar aggregate classification (germline): Uncertain significance (1 of 4 stars; one submission).

gnomAD v4.1: 1 of 1,559,238 alleles (0.000064%); highest among the groups gnomAD compares: Non-Finnish European, 0.000087%; no homozygotes.

Submission:

Ambry Genetics
Classification: Uncertain significance. Last evaluated: 2021-12-08. Review status: criteria provided, single submitter. Criteria: Ambry Variant Classification Scheme 2023. Collection method: clinical testing. Allele origin: germline.
Comment: The p.R100W variant (also known as c.298C>T), located in coding exon 1 of the TERF2IP gene, results from a C to T substitution at nucleotide position 298. The arginine at codon 100 is replaced by tryptophan, an amino acid with dissimilar properties. This amino acid position is conserved. In addition, the in silico prediction for this alteration is inconclusive. Since supporting evidence is limited at this time, the clinical significance of this alteration remains unclear.